The following is an entry in ClinVar:

ClinVar aggregate classification (germline): Uncertain significance. Review status: criteria provided, multiple submitters, no conflicts (2 of 4 stars). 2 submissions from 2 submitters: Uncertain significance (2). Last evaluated 2025-11-11.

Conditions:
Pancreatic adenocarcinoma. Identifiers: MedGen C0281361, MONDO:0006047, HP:0006725.

Submissions (2):

Labcorp Genetics (formerly Invitae), Labcorp
Classification: Uncertain significance for Pancreatic adenocarcinoma. Last evaluated: 2025-11-11. Review status: criteria provided, single submitter. Criteria: Invitae Variant Classification Sherloc (09022015). Collection method: clinical testing. Allele origin: germline.
Comment: This variant, c.273_278del, results in the deletion of 2 amino acid(s) of the PALLD protein (p.Pro93_Pro94del), but otherwise preserves the integrity of the reading frame. This variant is not present in population databases (gnomAD no frequency). This variant has not been reported in the literature in individuals affected with PALLD-related conditions. ClinVar contains an entry for this variant (Variation ID: 999237). Experimental studies and prediction algorithms are not available or were not evaluated, and the functional significance of this variant is currently unknown. In summary, the available evidence is currently insufficient to determine the role of this variant in disease. Therefore, it has been classified as a Variant of Uncertain Significance.

Ambry Genetics
Classification: Uncertain significance. Last evaluated: 2024-12-16. Review status: criteria provided, single submitter. Criteria: Ambry Variant Classification Scheme 2023. Collection method: clinical testing. Allele origin: germline.
Comment: The c.273_278delGCCACC variant (also known as p.P93_P94del) is located in coding exon 1 of the PALLD gene. This variant results from an in-frame GCCACC deletion at nucleotide positions 273 to 278. This results in the in-frame deletion of two amino acids (PP) at codons 93 to 94. These amino acid positions are well conserved in available vertebrate species. In addition, the in silico prediction for this alteration is inconclusive (Choi Y et al. PLoS ONE. 2012; 7(10):e46688). The evidence for this gene-disease relationship is limited; therefore, the clinical significance of this alteration is unclear.

NM_001166108.2(PALLD):c.1965-12758_1965-12753del

Gene: PALLD (palladin, cytoskeletal associated protein; plus strand). Cytogenetic location: 4q32.3.
Variant type: Deletion.
Coding change: c.1965-12758_1965-12753del on transcript NM_001166108.2 (MANE Select); 12758 bases into the intron before coding-DNA position 1965 through 12753 bases into the intron before coding-DNA position 1965, 6 bases deleted (GCCACC; older notation c.1965-12758_1965-12753delGCCACC).
Molecular consequence: intron variant. On other transcripts: inframe deletion (1).
Genome position (GRCh38, 1-based): chr4:168,878,164-168,878,169, GCCACC deleted; deleting any 6 consecutive bases within chr4:168,878,162-168,878,169 gives the same sequence; the c. name uses the placement nearest the transcript's 3' end. VCF-style (leftmost placement, unchanged base first): chr4-168878161-CCCGCCA-C. GRCh37 (hg19) VCF-style: chr4-169799312-CCCGCCA-C.
Other names: c.273_278delGCCACC (NM_001166110.1); c.273_278del, p.Pro93_Pro94del (NM_001166110.2); c.1965-12758_1965-12753del (NM_016081.4); c.819-12758_819-12753del (NM_001166109.2); c.-157-12758_-157-12753del (NM_001367570.1, NM_001367568.1, NM_001367567.1 and 1 more transcripts).
Identifiers: ClinVar variation 999237 (VCV000999237.9), dbSNP rs864622087, ClinGen allele CA790723414.